The following is an entry in ClinVar:

NM_013275.6(ANKRD11):c.5417G>C (p.Gly1806Ala)

Gene: ANKRD11 (ankyrin repeat domain 11; minus strand). Cytogenetic location: 16q24.3.
Variant type: single nucleotide variant.
Coding change: c.5417G>C on transcript NM_013275.6 (MANE Select); coding-DNA position 5417, G replaced by C.
Protein change: p.Gly1806Ala; replaces glycine 1806 with alanine.
Molecular consequence: missense variant.
Genome position (GRCh38, 1-based): chr16:89,281,125, C>G on the plus strand (G>C on the coding strand, the complement: ANKRD11 is on the minus strand). VCF-style: chr16-89281125-C-G. GRCh37 (hg19) VCF-style: chr16-89347533-C-G.
Other names: c.5417G>C, p.Gly1806Ala (NM_001256182.2, NM_001256183.2); short protein forms G1806A.
Identifiers: ClinVar variation 2093267 (VCV002093267.4), dbSNP rs1213465788, ClinGen allele CA397154312.

ClinVar aggregate classification (germline): Uncertain significance (1 of 4 stars; one submission).

Conditions:
KBG syndrome (KBGS). Also called: ANKRD11-Related KBG Syndrome. Identifiers: Orphanet 2332, MedGen C0220687, MONDO:0007846, OMIM 148050.

Submission:

Labcorp Genetics (formerly Invitae), Labcorp
Classification: Uncertain significance for KBG syndrome. Last evaluated: 2025-05-01. Review status: criteria provided, single submitter. Criteria: Invitae Variant Classification Sherloc (09022015). Collection method: clinical testing. Allele origin: germline.
Comment: This sequence change replaces glycine, which is neutral and non-polar, with alanine, which is neutral and non-polar, at codon 1806 of the ANKRD11 protein (p.Gly1806Ala). This variant is not present in population databases (gnomAD no frequency). This variant has not been reported in the literature in individuals affected with ANKRD11-related conditions. ClinVar contains an entry for this variant (Variation ID: 2093267). Invitae Evidence Modeling of protein sequence and biophysical properties (such as structural, functional, and spatial information, amino acid conservation, physicochemical variation, residue mobility, and thermodynamic stability) indicates that this missense variant is not expected to disrupt ANKRD11 protein function with a negative predictive value of 95%. In summary, the available evidence is currently insufficient to determine the role of this variant in disease. Therefore, it has been classified as a Variant of Uncertain Significance.